The following is an entry in ClinVar:

NM_015338.6(ASXL1):c.4099G>A (p.Val1367Ile)

Gene: ASXL1 (ASXL transcriptional regulator 1; plus strand). Cytogenetic location: 20q11.21.
Variant type: single nucleotide variant.
Coding change: c.4099G>A on transcript NM_015338.6 (MANE Select); coding-DNA position 4099, G replaced by A.
Protein change: p.Val1367Ile; replaces valine 1367 with isoleucine.
Molecular consequence: missense variant.
Genome position (GRCh38, 1-based): chr20:32,436,811, G>A. VCF-style: chr20-32436811-G-A. GRCh37 (hg19) VCF-style: chr20-31024614-G-A.
Other names: c.3916G>A, p.Val1306Ile (NM_001363734.1); short protein forms V1367I, V1306I.
Identifiers: ClinVar variation 1335459 (VCV001335459.38), dbSNP rs147456014, ClinGen allele CA9808964.

ClinVar aggregate classification (germline): Conflicting classifications of pathogenicity. Review status: criteria provided, conflicting classifications (1 of 4 stars). 4 submissions from 4 submitters: Uncertain significance (1); Likely benign (3). Last evaluated 2025-04-09.

Conditions:
Inborn genetic diseases. Identifiers: MedGen C0950123, MeSH D030342.

Allele frequency attached by ClinVar (database versions not stated): ExAC 0.00006; gnomAD exomes 0.00007 and 0.00013; TOPMed 0.00007; gnomAD 0.00009 and 0.00011; ESP Exome Variant Server 0.00015.
gnomAD v4.1: 207 of 1,614,222 alleles (0.013%); highest among the groups gnomAD compares: Middle Eastern, 0.016%; no homozygotes.

Submissions (4):

Ambry Genetics
Classification: Likely benign for Inborn genetic diseases. Last evaluated: 2025-04-09. Review status: criteria provided, single submitter. Criteria: Ambry Variant Classification Scheme 2023. Collection method: clinical testing. Allele origin: germline.

Laboratory of Genetics, Children's Clinical University Hospital Latvia
Classification: Likely benign. Last evaluated: 2025-02-16. Review status: criteria provided, single submitter. Criteria: ACMG Guidelines, 2015. Collection method: clinical testing. Allele origin: germline. Affected: yes.

Labcorp Genetics (formerly Invitae), Labcorp
Classification: Uncertain significance. Last evaluated: 2025-02-13. Review status: criteria provided, single submitter. Criteria: Invitae Variant Classification Sherloc (09022015). Collection method: clinical testing. Allele origin: germline.
Comment: This sequence change replaces valine, which is neutral and non-polar, with isoleucine, which is neutral and non-polar, at codon 1367 of the ASXL1 protein (p.Val1367Ile). This variant is present in population databases (rs147456014, gnomAD 0.02%). This variant has not been reported in the literature in individuals affected with ASXL1-related conditions. ClinVar contains an entry for this variant (Variation ID: 1335459). An algorithm developed to predict the effect of missense changes on protein structure and function outputs the following: PolyPhen-2: "Benign". The isoleucine amino acid residue is found in multiple mammalian species, which suggests that this missense change does not adversely affect protein function. In summary, the available evidence is currently insufficient to determine the role of this variant in disease. Therefore, it has been classified as a Variant of Uncertain Significance.

CeGaT Center for Human Genetics Tuebingen
Classification: Likely benign. Last evaluated: 2021-10-01. Review status: criteria provided, single submitter. Criteria: CeGaT Center For Human Genetics Tuebingen Variant Classification Criteria Version 2. Collection method: clinical testing. Allele origin: germline. Affected: yes. Observed: 1 variant allele.